The following is an entry in ClinVar:

ClinVar aggregate classification (germline): Uncertain significance (1 of 4 stars; one submission).

Conditions:
Joubert syndrome 23 (JBTS23). Identifiers: Orphanet 475, MedGen C4084822, MONDO:0014664, OMIM 616490.
Short-rib thoracic dysplasia 14 with polydactyly (SRTD14). Identifiers: Orphanet 397715, MedGen C4225286, MONDO:0014688, OMIM 616546.

Allele frequency attached by ClinVar (database versions not stated): TOPMed below 0.00001; gnomAD exomes 0.00001.
gnomAD v4.1: 16 of 1,613,302 alleles (0.00099%); highest among the groups gnomAD compares: Non-Finnish European, 0.0014%; no homozygotes.

Submission:

Labcorp Genetics (formerly Invitae), Labcorp
Classification: Uncertain significance for Joubert syndrome 23; Short-rib thoracic dysplasia 14 with polydactyly. Last evaluated: 2025-11-23. Review status: criteria provided, single submitter. Criteria: Invitae Variant Classification Sherloc (09022015). Collection method: clinical testing. Allele origin: germline.
Comment: This sequence change replaces asparagine, which is neutral and polar, with aspartic acid, which is acidic and polar, at codon 960 of the KIAA0586 protein (p.Asn960Asp). This variant is present in population databases (no rsID available, gnomAD 0.002%). This variant has not been reported in the literature in individuals affected with KIAA0586-related conditions. ClinVar contains an entry for this variant (Variation ID: 1421098). Invitae Evidence Modeling of protein sequence and biophysical properties (such as structural, functional, and spatial information, amino acid conservation, physicochemical variation, residue mobility, and thermodynamic stability) indicates that this missense variant is expected to disrupt KIAA0586 protein function with a positive predictive value of 80%. In summary, the available evidence is currently insufficient to determine the role of this variant in disease. Therefore, it has been classified as a Variant of Uncertain Significance.

NM_001329943.3(KIAA0586):c.2719A>G (p.Asn907Asp)

Gene: KIAA0586 (KIAA0586; plus strand). Cytogenetic location: 14q23.1.
Variant type: single nucleotide variant.
Coding change: c.2719A>G on transcript NM_001329943.3 (MANE Select); coding-DNA position 2719, A replaced by G.
Protein change: p.Asn907Asp; replaces asparagine 907 with aspartic acid.
Molecular consequence: missense variant.
Genome position (GRCh38, 1-based): chr14:58,474,691, A>G. VCF-style: chr14-58474691-A-G. GRCh37 (hg19) VCF-style: chr14-58941409-A-G.
Other names: c.2878A>G, p.Asn960Asp (NM_001244189.2); c.2674A>G, p.Asn892Asp (NM_001244190.2); c.2464A>G, p.Asn822Asp (NM_001244191.2, NM_001329945.2, NM_001364700.1 and 1 more transcripts); c.2587A>G, p.Asn863Asp (NM_001244192.2); c.2299A>G, p.Asn767Asp (NM_001244193.2); c.2719A>G, p.Asn907Asp (NM_001329944.2, NM_001329946.2, NM_001329947.2); c.2491A>G, p.Asn831Asp (NM_014749.5); short protein forms N907D, N831D, N892D, N767D, N822D, N863D, N960D.
Identifiers: ClinVar variation 1421098 (VCV001421098.8), dbSNP rs1261333772, ClinGen allele CA389877879.